The following is an entry in ClinVar:

ClinVar aggregate classification (germline): Uncertain significance (1 of 4 stars; one submission).

Conditions:
Myofibrillar myopathy 5. Also called: Filaminopathy (type); FILAMINOPATHY, AUTOSOMAL DOMINANT. Identifiers: Orphanet 171445, MedGen C1836050, MONDO:0012289, OMIM 609524.
Hypertrophic cardiomyopathy 26. Also called: Cardiomyopathy, familial hypertrophic, 26. Identifiers: Orphanet 75249, MedGen C4310749, MONDO:0014883, OMIM 617047.
Distal myopathy with posterior leg and anterior hand involvement. Also called: WILLIAMS DISTAL MYOPATHY. Identifiers: Orphanet 63273, MedGen C3279722, MONDO:0013550, OMIM 614065.

Submission:

Labcorp Genetics (formerly Invitae), Labcorp
Classification: Uncertain significance for Distal myopathy with posterior leg and anterior hand involvement; Myofibrillar myopathy 5; Hypertrophic cardiomyopathy 26. Last evaluated: 2022-07-25. Review status: criteria provided, single submitter. Criteria: Invitae Variant Classification Sherloc (09022015). Collection method: clinical testing. Allele origin: germline.
Comment: In summary, the available evidence is currently insufficient to determine the role of this variant in disease. Therefore, it has been classified as a Variant of Uncertain Significance. Algorithms developed to predict the effect of missense changes on protein structure and function are either unavailable or do not agree on the potential impact of this missense change (SIFT: "Tolerated"; PolyPhen-2: "Probably Damaging"; Align-GVGD: "Class C0"). This variant has not been reported in the literature in individuals affected with FLNC-related conditions. This variant is not present in population databases (gnomAD no frequency). This sequence change replaces cysteine, which is neutral and slightly polar, with arginine, which is basic and polar, at codon 805 of the FLNC protein (p.Cys805Arg).

NM_001458.5(FLNC):c.2413T>C (p.Cys805Arg)

Gene: FLNC (filamin C; plus strand). Cytogenetic location: 7q32.1.
Variant type: single nucleotide variant.
Coding change: c.2413T>C on transcript NM_001458.5 (MANE Select); coding-DNA position 2413, T replaced by C.
Protein change: p.Cys805Arg; replaces cysteine 805 with arginine.
Molecular consequence: missense variant.
Genome position (GRCh38, 1-based): chr7:128,842,817, T>C. VCF-style: chr7-128842817-T-C. GRCh37 (hg19) VCF-style: chr7-128482871-T-C.
Other names: c.2413T>C, p.Cys805Arg (NM_001127487.2); short protein forms C805R.
Identifiers: ClinVar variation 1979025 (VCV001979025.4), dbSNP rs2536632053, ClinGen allele CA369191571.